The following is an entry in ClinVar:

NM_000057.4(BLM):c.4057A>G (p.Ser1353Gly)

Gene: BLM (BLM RecQ like helicase; plus strand). Cytogenetic location: 15q26.1.
Variant type: single nucleotide variant.
Coding change: c.4057A>G on transcript NM_000057.4 (MANE Select); coding-DNA position 4057, A replaced by G.
Protein change: p.Ser1353Gly; replaces serine 1353 with glycine.
Molecular consequence: missense variant.
Genome position (GRCh38, 1-based): chr15:90,811,387, A>G. VCF-style: chr15-90811387-A-G. GRCh37 (hg19) VCF-style: chr15-91354617-A-G.
Other names: c.4057A>G, p.Ser1353Gly (NM_001287246.2); c.3664A>G, p.Ser1222Gly (NM_001287247.2); c.2932A>G, p.Ser978Gly (NM_001287248.2); short protein forms S1353G, S978G, S1222G.
Identifiers: ClinVar variation 2894504 (VCV002894504.3), dbSNP rs2505567759, ClinGen allele CA393851509.

ClinVar aggregate classification (germline): Uncertain significance (1 of 4 stars; one submission).

Conditions:
Bloom syndrome (BLM). Also called: Bloom-Torre-Machacek syndrome. Identifiers: Orphanet 125, MedGen C0005859, MONDO:0008876, OMIM 210900.

Submission:

Labcorp Genetics (formerly Invitae), Labcorp
Classification: Uncertain significance for Bloom syndrome. Last evaluated: 2024-07-16. Review status: criteria provided, single submitter. Criteria: Invitae Variant Classification Sherloc (09022015). Collection method: clinical testing. Allele origin: germline.
Comment: This sequence change replaces serine, which is neutral and polar, with glycine, which is neutral and non-polar, at codon 1353 of the BLM protein (p.Ser1353Gly). This variant is not present in population databases (gnomAD no frequency). This variant has not been reported in the literature in individuals affected with BLM-related conditions. Advanced modeling of protein sequence and biophysical properties (such as structural, functional, and spatial information, amino acid conservation, physicochemical variation, residue mobility, and thermodynamic stability) performed at Invitae indicates that this missense variant is not expected to disrupt BLM protein function with a negative predictive value of 80%. In summary, the available evidence is currently insufficient to determine the role of this variant in disease. Therefore, it has been classified as a Variant of Uncertain Significance.